The following is an entry in ClinVar:

NM_024996.7(GFM1):c.1583C>T (p.Thr528Ile)

Gene: GFM1 (G elongation factor mitochondrial 1; plus strand). Cytogenetic location: 3q25.32.
Variant type: single nucleotide variant.
Coding change: c.1583C>T on transcript NM_024996.7 (MANE Select); coding-DNA position 1583, C replaced by T.
Protein change: p.Thr528Ile; replaces threonine 528 with isoleucine.
Molecular consequence: missense variant. On other transcripts: non-coding transcript variant (4).
Genome position (GRCh38, 1-based): chr3:158,666,368, C>T. VCF-style: chr3-158666368-C-T. GRCh37 (hg19) VCF-style: chr3-158384157-C-T.
Other names: p.T528I:ACC>ATC; c.1640C>T, p.Thr547Ile (NM_001308164.2); c.1583C>T, p.Thr528Ile (NM_001308166.2); c.1502C>T, p.Thr501Ile (NM_001374355.1); c.1466C>T, p.Thr489Ile (NM_001374356.1); c.1358C>T, p.Thr453Ile (NM_001374357.1); c.1124C>T, p.Thr375Ile (NM_001374358.1); c.1016C>T, p.Thr339Ile (NM_001374359.1, NM_001374360.1); and 1 more; short protein forms T528I, T547I, T300I, T339I, T375I, T453I, T489I, T501I.
Identifiers: ClinVar variation 214499 (VCV000214499.3), dbSNP rs863224035, ClinGen allele CA325249.
Genomic context (GRCh38, chr3:158,666,368, plus strand): 5'-TGGAAAGAGAGTATGGCTGTCCTTGTATCACAGGAAAGCCAAAAGTTGCCTTTCGAGAGA[C>T]CATTACTGCCCCTGTCCCGTAAGTATGCAACGTAATTAAACATTATGAGGCTGAAATTGA-3'
Protein context (NP_079272.4, residues 518-538): TGKPKVAFRE[Thr528Ile]ITAPVPFDFT

ClinVar aggregate classification (germline): Conflicting classifications of pathogenicity. Review status: criteria provided, conflicting classifications (1 of 4 stars). 2 submissions from 2 submitters: Likely pathogenic (1); Uncertain significance (1). Last evaluated 2025-03-14.

Allele frequency attached by ClinVar (database versions not stated): gnomAD exomes below 0.00001.
gnomAD v4.1: 4 of 1,613,236 alleles (0.00025%); highest among the groups gnomAD compares: Non-Finnish European, 0.00025%; no homozygotes.

Submissions (2):

Women's Health and Genetics/Laboratory Corporation of America, LabCorp
Classification: Uncertain significance. Last evaluated: 2025-03-14. Review status: criteria provided, single submitter. Criteria: LabCorp Variant Classification Summary - May 2015. Collection method: clinical testing. Allele origin: germline.

GeneDx
Classification: Likely pathogenic. Last evaluated: 2014-10-09. Review status: criteria provided, single submitter. Criteria: GeneDx Variant Classification (06012015). Collection method: clinical testing. Allele origin: germline. Affected: yes.
Comment: p.Thr528Ile (ACC>ATC): c.1583 C>T in exon 13 of the GFM1 gene (NM_024996.5). The T528I variant that is likely pathogenic was identified in the GFM1 gene. It has not been published as a mutation, nor has it been reported as a benign polymorphism to our knowledge. The T528I variant is a nonconservative amino acid substitution, which is likely to impact secondary protein structure as these residues differ in polarity, charge, size and/or other properties. This substitution occurs at a position where amino acids with similar properties as Threonine are conserved across species. In silico analysis predicts this variant is probably damaging to the protein structure/function. Therefore, this variant is a strong candidate for a pathogenic mutation, however the possibility that it is a benign variant cannot be excluded. The variant is found in MITONUC-MITOP panel(s).